The following is an entry in ClinVar:

NM_001110556.2(FLNA):c.2141A>G (p.Asn714Ser)

Gene: FLNA (filamin A; minus strand). Cytogenetic location: Xq28.
Variant type: single nucleotide variant.
Coding change: c.2141A>G on transcript NM_001110556.2 (MANE Select); coding-DNA position 2141, A replaced by G.
Protein change: p.Asn714Ser; replaces asparagine 714 with serine.
Molecular consequence: missense variant.
Genome position (GRCh38, 1-based): chrX:154,364,161, T>C on the plus strand (A>G on the coding strand, the complement: FLNA is on the minus strand). VCF-style: chrX-154364161-T-C. GRCh37 (hg19) VCF-style: chrX-153592529-T-C.
Other names: c.2141A>G, p.Asn714Ser (NM_001456.4); short protein forms N714S.
Identifiers: ClinVar variation 3754008 (VCV003754008.2).

ClinVar aggregate classification (germline): Uncertain significance (1 of 4 stars; one submission).

Conditions:
Melnick-Needles syndrome (MNS). Also called: MELNICK-NEEDLES OSTEODYSPLASTY; OSTEODYSPLASTY OF MELNICK AND NEEDLES; Melnick-Needles Syndrome (FLNA-MNS). Identifiers: Orphanet 2484, MedGen C0025237, MONDO:0010650, OMIM 309350.
Frontometaphyseal dysplasia (FMD1). Identifiers: Orphanet 1826, MedGen C0265293, MONDO:0015942.
Heterotopia, periventricular, X-linked dominant (PVNH1). Also called: PERIVENTRICULAR NODULAR HETEROTOPIA 1; X-linked periventricular heterotopia; PERIVENTRICULAR NODULAR HETEROTOPIA 4; HETEROTOPIA, PERIVENTRICULAR, 1. Identifiers: Orphanet 2149, Orphanet 82004, MedGen C1848213, MONDO:0010233, OMIM 300049.
Oto-palato-digital syndrome, type II (OPD2). Also called: FACIOPALATOOSSEOUS SYNDROME; OPD II SYNDROME; Otopalatodigital Syndrome, Type II; Otopalatodigital Syndrome Type 2 (FLNA-OPD2). Identifiers: Orphanet 669, Orphanet 90652, MedGen C1844696, MONDO:0010571, OMIM 304120.

Submission:

Labcorp Genetics (formerly Invitae), Labcorp
Classification: Uncertain significance for Oto-palato-digital syndrome, type II; Heterotopia, periventricular, X-linked dominant; Frontometaphyseal dysplasia; Melnick-Needles syndrome. Last evaluated: 2024-02-25. Review status: criteria provided, single submitter. Criteria: Invitae Variant Classification Sherloc (09022015). Collection method: clinical testing. Allele origin: germline.
Comment: This sequence change replaces asparagine, which is neutral and polar, with serine, which is neutral and polar, at codon 714 of the FLNA protein (p.Asn714Ser). This variant is not present in population databases (gnomAD no frequency). This variant has not been reported in the literature in individuals affected with FLNA-related conditions. Advanced modeling of protein sequence and biophysical properties (such as structural, functional, and spatial information, amino acid conservation, physicochemical variation, residue mobility, and thermodynamic stability) performed at Invitae indicates that this missense variant is not expected to disrupt FLNA protein function with a negative predictive value of 95%. In summary, the available evidence is currently insufficient to determine the role of this variant in disease. Therefore, it has been classified as a Variant of Uncertain Significance.